The following is an entry in ClinVar:

NM_001035.3(RYR2):c.5353G>A (p.Asp1785Asn)

Gene: RYR2 (ryanodine receptor 2; plus strand). Cytogenetic location: 1q43.
Variant type: single nucleotide variant.
Coding change: c.5353G>A on transcript NM_001035.3 (MANE Select); coding-DNA position 5353, G replaced by A.
Protein change: p.Asp1785Asn; replaces aspartic acid 1785 with asparagine.
Molecular consequence: missense variant.
Genome position (GRCh38, 1-based): chr1:237,614,481, G>A. VCF-style: chr1-237614481-G-A. GRCh37 (hg19) VCF-style: chr1-237777781-G-A.
Other names: short protein forms D1785N.
Identifiers: ClinVar variation 4700624 (VCV004700624.1).

ClinVar aggregate classification (germline): Uncertain significance (1 of 4 stars; one submission).

Conditions:
Catecholaminergic polymorphic ventricular tachycardia 1. Also called: RYR2-Related Catecholaminergic Polymorphic Ventricular Tachycardia; VENTRICULAR TACHYCARDIA, CATECHOLAMINERGIC POLYMORPHIC, 1, WITH OR WITHOUT ATRIAL DYSFUNCTION AND/OR DILATED CARDIOMYOPATHY; VENTRICULAR TACHYCARDIA, STRESS-INDUCED POLYMORPHIC 1. Identifiers: Orphanet 3286, MedGen C1631597, MONDO:0011484, OMIM 604772.

gnomAD v4.1: 1 of 1,614,002 alleles (0.000062%); highest among the groups gnomAD compares: Non-Finnish European, 0.000085%; no homozygotes.

Submission:

Labcorp Genetics (formerly Invitae), Labcorp
Classification: Uncertain significance for Catecholaminergic polymorphic ventricular tachycardia 1. Last evaluated: 2025-10-28. Review status: criteria provided, single submitter. Criteria: Invitae Variant Classification Sherloc (09022015). Collection method: clinical testing. Allele origin: germline.
Comment: This sequence change replaces aspartic acid, which is acidic and polar, with asparagine, which is neutral and polar, at codon 1785 of the RYR2 protein (p.Asp1785Asn). This variant is not present in population databases (gnomAD no frequency). This variant has not been reported in the literature in individuals affected with RYR2-related conditions. Invitae Evidence Modeling of protein sequence and biophysical properties (such as structural, functional, and spatial information, amino acid conservation, physicochemical variation, residue mobility, and thermodynamic stability) indicates that this missense variant is not expected to disrupt RYR2 protein function with a negative predictive value of 95%. In summary, the available evidence is currently insufficient to determine the role of this variant in disease. Therefore, it has been classified as a Variant of Uncertain Significance.